The following is an entry in ClinVar:

NM_000083.3(CLCN1):c.2063G>A (p.Gly688Glu)

Genes: CLCN1 (chloride voltage-gated channel 1; plus strand), LOC123956257 (Sharpr-MPRA regulatory region 4117; plus strand). Cytogenetic location: 7q34.
Variant type: single nucleotide variant.
Coding change: c.2063G>A on transcript NM_000083.3 (MANE Select); coding-DNA position 2063, G replaced by A.
Protein change: p.Gly688Glu; replaces glycine 688 with glutamic acid.
Molecular consequence: missense variant. On other transcripts: non-coding transcript variant (1).
Genome position (GRCh38, 1-based): chr7:143,345,653, G>A. VCF-style: chr7-143345653-G-A. GRCh37 (hg19) VCF-style: chr7-143042746-G-A.
Other names: short protein forms G688E.
Identifiers: ClinVar variation 4789706 (VCV004789706.1).

ClinVar aggregate classification (germline): Uncertain significance (1 of 4 stars; one submission).

Conditions:
Congenital myotonia, autosomal dominant form (THD). Also called: THOMSEN DISEASE; Myotonia congenita autosomal dominant. Identifiers: Orphanet 614, MedGen C2936781, MONDO:0008055, OMIM 160800.
Congenital myotonia, autosomal recessive form. Also called: BECKER DISEASE; Becker Generalized Myotonia; myotonia congenita, autosomal recessive. Identifiers: Orphanet 614, MedGen C0751360, MONDO:0009715, OMIM 255700.

Submission:

Labcorp Genetics (formerly Invitae), Labcorp
Classification: Uncertain significance for Congenital myotonia, autosomal recessive form; Congenital myotonia, autosomal dominant form. Last evaluated: 2025-08-24. Review status: criteria provided, single submitter. Criteria: Invitae Variant Classification Sherloc (09022015). Collection method: clinical testing. Allele origin: germline.
Comment: This sequence change replaces glycine, which is neutral and non-polar, with glutamic acid, which is acidic and polar, at codon 688 of the CLCN1 protein (p.Gly688Glu). This variant is not present in population databases (gnomAD no frequency). This variant has not been reported in the literature in individuals affected with CLCN1-related conditions. Invitae Evidence Modeling of protein sequence and biophysical properties (such as structural, functional, and spatial information, amino acid conservation, physicochemical variation, residue mobility, and thermodynamic stability) has been performed for this missense variant. However, the output from this modeling did not meet the statistical confidence thresholds required to predict the impact of this variant on CLCN1 protein function. This variant disrupts the p.Gly688 amino acid residue in CLCN1. Other variant(s) that disrupt this residue have been determined to be pathogenic (internal data). This suggests that this residue is clinically significant, and that variants that disrupt this residue are likely to be disease-causing. In summary, the available evidence is currently insufficient to determine the role of this variant in disease. Therefore, it has been classified as a Variant of Uncertain Significance.